The following is an entry in ClinVar:

ClinVar aggregate classification (germline): Uncertain significance (1 of 4 stars; one submission).

Submission:

GeneDx
Classification: Uncertain significance. Last evaluated: 2022-12-05. Review status: criteria provided, single submitter. Criteria: GeneDx Variant Classification Process June 2021. Collection method: clinical testing. Allele origin: germline. Affected: yes.
Comment: Not observed at significant frequency in large population cohorts (gnomAD); Canonical splice site variant in a gene or region of a gene for which loss of function is not a well-established mechanism of disease; Has not been previously published as pathogenic or benign to our knowledge; Variants in candidate genes are classified as variants of uncertain significance in accordance with ACMG guidelines (Richards et al., 2015)

NM_012245.3(SNW1):c.330+1G>A

Gene: SNW1 (SNW domain containing 1; minus strand). Cytogenetic location: 14q24.3.
Variant type: single nucleotide variant.
Coding change: c.330+1G>A on transcript NM_012245.3 (MANE Select); the canonical splice donor site of the intron after coding-DNA position 330, G replaced by A.
Molecular consequence: splice donor variant.
Genome position (GRCh38, 1-based): chr14:77,751,318, C>T on the plus strand (G>A on the coding strand, the complement: SNW1 is on the minus strand). VCF-style: chr14-77751318-C-T. GRCh37 (hg19) VCF-style: chr14-78217661-C-T.
Other names: c.330+1G>A (NM_001318844.2).
Identifiers: ClinVar variation 4526967 (VCV004526967.1).
Genomic context (GRCh38, chr14:77,751,318, plus strand): 5'-CCACAAAATTTAAAATGTTTCCTAAAATATTTATCATTCAGGGAAAACATGAGAGGATTA[C>T]CTTGTCTTTTGACTGTCCTTGTCGAGCAATTGCATCATATTTAATTTTTCCTTCAGAATC-3'